The following is an entry in ClinVar:

ClinVar aggregate classification (germline): Uncertain significance (1 of 4 stars; one submission).

gnomAD v4.1: 4 of 1,613,876 alleles (0.00025%); highest among the groups gnomAD compares: Non-Finnish European, 0.00034%; no homozygotes.

Submission:

Labcorp Genetics (formerly Invitae), Labcorp
Classification: Uncertain significance. Last evaluated: 2024-10-28. Review status: criteria provided, single submitter. Criteria: Invitae Variant Classification Sherloc (09022015). Collection method: clinical testing. Allele origin: germline.
Comment: This sequence change replaces proline, which is neutral and non-polar, with threonine, which is neutral and polar, at codon 2133 of the CACNA1D protein (p.Pro2133Thr). This variant is not present in population databases (gnomAD no frequency). This variant has not been reported in the literature in individuals affected with CACNA1D-related conditions. An algorithm developed to predict the effect of missense changes on protein structure and function (PolyPhen-2) suggests that this variant is likely to be tolerated. Algorithms developed to predict the effect of sequence changes on RNA splicing suggest that this variant may create or strengthen a splice site. In summary, the available evidence is currently insufficient to determine the role of this variant in disease. Therefore, it has been classified as a Variant of Uncertain Significance.

NM_001128840.3(CACNA1D):c.6337C>A (p.Pro2113Thr)

Gene: CACNA1D (calcium voltage-gated channel subunit alpha1 D; plus strand). Cytogenetic location: 3p21.1.
Variant type: single nucleotide variant.
Coding change: c.6337C>A on transcript NM_001128840.3 (MANE Select); coding-DNA position 6337, C replaced by A.
Protein change: p.Pro2113Thr; replaces proline 2113 with threonine.
Molecular consequence: missense variant.
Genome position (GRCh38, 1-based): chr3:53,811,257, C>A. VCF-style: chr3-53811257-C-A. GRCh37 (hg19) VCF-style: chr3-53845284-C-A.
Other names: c.6397C>A, p.Pro2133Thr (NM_000720.4); c.6265C>A, p.Pro2089Thr (NM_001128839.3); short protein forms P2089T, P2113T, P2133T.
Identifiers: ClinVar variation 3690687 (VCV003690687.2).